The following is an entry in ClinVar:

NM_002485.5(NBN):c.1061C>A (p.Pro354Gln)

Gene: NBN (nibrin; minus strand). Cytogenetic location: 8q21.3.
Variant type: single nucleotide variant.
Coding change: c.1061C>A on transcript NM_002485.5 (MANE Select); coding-DNA position 1061, C replaced by A.
Protein change: p.Pro354Gln; replaces proline 354 with glutamine.
Molecular consequence: missense variant.
Genome position (GRCh38, 1-based): chr8:89,958,788, G>T on the plus strand (C>A on the coding strand, the complement: NBN is on the minus strand). VCF-style: chr8-89958788-G-T. GRCh37 (hg19) VCF-style: chr8-90971016-G-T.
Other names: c.815C>A, p.Pro272Gln (NM_001024688.3); short protein forms P354Q, P272Q.
Identifiers: ClinVar variation 483997 (VCV000483997.6), dbSNP rs1354459986, ClinGen allele CA371656690.

ClinVar aggregate classification (germline): Uncertain significance (1 of 4 stars; one submission).

Conditions:
Hereditary cancer-predisposing syndrome. Also called: Neoplastic Syndromes, Hereditary; Tumor predisposition; Hereditary Cancer Syndrome; Hereditary neoplastic syndrome. Identifiers: Orphanet 140162, MedGen C0027672, MeSH D009386, MONDO:0015356.

Allele frequency attached by ClinVar (database versions not stated): gnomAD exomes below 0.00001.
gnomAD v4.1: 1 of 1,614,094 alleles (0.000062%); highest among the groups gnomAD compares: African/African-American, 0.0013%; no homozygotes.

Submission:

Ambry Genetics
Classification: Uncertain significance for Hereditary cancer-predisposing syndrome. Last evaluated: 2025-02-21. Review status: criteria provided, single submitter. Criteria: Ambry Variant Classification Scheme 2023. Collection method: clinical testing. Allele origin: germline.
Comment: The p.P354Q variant (also known as c.1061C>A), located in coding exon 9 of the NBN gene, results from a C to A substitution at nucleotide position 1061. The proline at codon 354 is replaced by glutamine, an amino acid with similar properties. This amino acid position is well conserved in available vertebrate species. In addition, this alteration is predicted to be tolerated by in silico analysis. Since supporting evidence is limited at this time, the clinical significance of this alteration remains unclear.